The following is an entry in ClinVar:

NM_024422.6(DSC2):c.942+16A>T

Gene: DSC2 (desmocollin 2; minus strand). Cytogenetic location: 18q12.1.
Variant type: single nucleotide variant.
Coding change: c.942+16A>T on transcript NM_024422.6 (MANE Select); 16 bases into the intron after coding-DNA position 942, A replaced by T.
Molecular consequence: intron variant.
Genome position (GRCh38, 1-based): chr18:31,086,560, T>A on the plus strand (A>T on the coding strand, the complement: DSC2 is on the minus strand). VCF-style: chr18-31086560-T-A. GRCh37 (hg19) VCF-style: chr18-28666526-T-A.
Other names: c.942+13A>T (LRG_400t1, NM_004949.3); c.942+16A>T (NM_004949.5).
Identifiers: ClinVar variation 36008 (VCV000036008.4), dbSNP rs111347888, ClinGen allele CA022977.
Genomic context (GRCh38, chr18:31,086,560, plus strand): 5'-AAACACATCTACAGGAGTTATACAGGTACTATTGAATAGCCACGTTATAATCAGGTTTTA[T>A]TAATGTTTATGTTACCTCTCTGTCTAGCTGAGATGATGTTGTGGTGATCACGCCTGTAGT-3'

ClinVar aggregate classification (germline): Likely benign. Review status: criteria provided, single submitter (1 of 4 stars). 2 submissions from 2 submitters: Likely benign (1). 1 of the submissions does not count toward it. Last evaluated 2012-08-09.

Conditions:
Cardiomyopathy (CMYO). Also called: Cardiomyopathies. Identifiers: Orphanet 167848, MedGen C0878544, MONDO:0004994, HP:0001638. Inheritance: Various modes of inheritance.

gnomAD v4.1: 1 of 1,614,070 alleles (0.000062%); no homozygotes.

Submissions (2):

Laboratory for Molecular Medicine, Mass General Brigham Personalized Medicine
Classification: Likely benign. Last evaluated: 2012-08-09. Review status: criteria provided, single submitter. Criteria: LMM Criteria. Collection method: clinical testing. Allele origin: germline. Observed: 2 variant alleles.
Comment: 942+13A>T in intron 7 of DSC2: This variant is not expected to have clinical sig nificance because it is not located within the splice consensus sequence. 942+1 3A>T in intron 7 of DSC2 (allele frequency = n/a)

Women's Health and Genetics/Laboratory Corporation of America, LabCorp
Classification: Likely benign for Cardiomyopathy. Last evaluated: 2015-10-02. Review status: no assertion criteria provided. Collection method: clinical testing. Allele origin: germline. Not counted in ClinVar's aggregate classification.